The following is an entry in ClinVar:

ClinVar aggregate classification (germline): Uncertain significance (1 of 4 stars; one submission).

Conditions:
Primary ciliary dyskinesia. Also called: Ciliary dyskinesia. Identifiers: Orphanet 244, MedGen C0008780, MONDO:0016575, HP:0012265.

Submission:

Labcorp Genetics (formerly Invitae), Labcorp
Classification: Uncertain significance for Primary ciliary dyskinesia. Last evaluated: 2022-03-03. Review status: criteria provided, single submitter. Criteria: Invitae Variant Classification Sherloc (09022015). Collection method: clinical testing. Allele origin: germline.
Comment: In summary, the available evidence is currently insufficient to determine the role of this variant in disease. Therefore, it has been classified as a Variant of Uncertain Significance. This variant has not been reported in the literature in individuals affected with RPGR-related conditions. This variant results in a copy number gain of the genomic region encompassing exon(s) 1-11 of the RPGR gene. This region includes the initiator codon of the gene. This copy number gain extends beyond the assayed region for this gene and therefore may encompass additional genes. As the precise location of this event is unknown, it may be in tandem or it may be located elsewhere in the genome.

NC_000023.10:g.(?_38156517)_(38240702_?)dup

Genes: OTC (ornithine transcarbamylase; plus strand), RPGR (retinitis pigmentosa GTPase regulator; minus strand). Cytogenetic location: Xp11.4.
Variant type: Duplication.
Identifiers: ClinVar variation 1022391 (VCV001022391.15).